The following is an entry in ClinVar:

NM_003922.4(HERC1):c.8523T>C (p.Asp2841=)

Gene: HERC1 (HECT and RLD domain containing E3 ubiquitin protein ligase family member 1; minus strand). Cytogenetic location: 15q22.31.
Variant type: single nucleotide variant.
Coding change: c.8523T>C on transcript NM_003922.4 (MANE Select); coding-DNA position 8523, T replaced by C.
Protein change: p.Asp2841=; no amino-acid change (aspartic acid 2841 retained).
Molecular consequence: synonymous variant.
Genome position (GRCh38, 1-based): chr15:63,665,951, A>G on the plus strand (T>C on the coding strand, the complement: HERC1 is on the minus strand). VCF-style: chr15-63665951-A-G. GRCh37 (hg19) VCF-style: chr15-63958150-A-G.
Identifiers: ClinVar variation 713525 (VCV000713525.24), dbSNP rs200169757, ClinGen allele CA7604923.

ClinVar aggregate classification (germline): Likely benign. Review status: criteria provided, multiple submitters, no conflicts (2 of 4 stars). 3 submissions from 3 submitters: Likely benign (3). Last evaluated 2025-01-21.

Allele frequency attached by ClinVar (database versions not stated): gnomAD 0.00026 and 0.00029; TOPMed 0.00026; ESP Exome Variant Server 0.00033; ExAC 0.00034; gnomAD exomes 0.00039 and 0.00052; 1000 Genomes Project 30x 0.00062; 1000 Genomes Project 0.00080.
gnomAD v4.1: 812 of 1,613,698 alleles (0.05%); highest among the groups gnomAD compares: South Asian, 0.11%; 1 homozygote.

Submissions (3):

Labcorp Genetics (formerly Invitae), Labcorp
Classification: Likely benign. Last evaluated: 2025-01-21. Review status: criteria provided, single submitter. Criteria: Invitae Variant Classification Sherloc (09022015). Collection method: clinical testing. Allele origin: germline.

CeGaT Center for Human Genetics Tuebingen
Classification: Likely benign. Last evaluated: 2024-11-01. Review status: criteria provided, single submitter. Criteria: CeGaT Center For Human Genetics Tuebingen Variant Classification Criteria Version 2. Collection method: clinical testing. Allele origin: germline. Affected: yes. Observed: 1 variant allele.
Comment: HERC1: BP4

Blueprint Genetics
Classification: Likely benign. Last evaluated: 2023-10-04. Review status: criteria provided, single submitter. Criteria: ACMG Guidelines, 2015. Collection method: clinical testing. Allele origin: germline.